The following is an entry in ClinVar:

ClinVar aggregate classification (germline): Uncertain significance (1 of 4 stars; one submission).

Submission:

GeneDx
Classification: Uncertain significance. Last evaluated: 2024-04-26. Review status: criteria provided, single submitter. Criteria: GeneDx Variant Classification Process June 2021. Collection method: clinical testing. Allele origin: germline. Affected: yes.
Comment: Not observed at significant frequency in large population cohorts (gnomAD); In silico analysis indicates that this missense variant does not alter protein structure/function; Has not been previously published as pathogenic or benign to our knowledge; Also known as 3313A>G; This variant is associated with the following publications: (PMID: 15343273)

NM_007294.4(BRCA1):c.3194A>G (p.Asp1065Gly)

Gene: BRCA1 (BRCA1 DNA repair associated; minus strand). Cytogenetic location: 17q21.31.
Variant type: single nucleotide variant.
Coding change: c.3194A>G on transcript NM_007294.4 (MANE Select); coding-DNA position 3194, A replaced by G.
Protein change: p.Asp1065Gly; replaces aspartic acid 1065 with glycine.
Molecular consequence: missense variant. On other transcripts: intron variant (137).
Genome position (GRCh38, 1-based): chr17:43,092,337, T>C on the plus strand (A>G on the coding strand, the complement: BRCA1 is on the minus strand). VCF-style: chr17-43092337-T-C. GRCh37 (hg19) VCF-style: chr17-41244354-T-C.
Other names: c.2981A>G, p.Asp994Gly (NM_001407571.1, NM_001407853.1, NM_001407894.1 and 9 more transcripts); c.3194A>G, p.Asp1065Gly (NM_001407581.1, NM_001407582.1, NM_001407583.1 and 30 more transcripts); c.3191A>G, p.Asp1064Gly (NM_001407587.1, NM_001407590.1, NM_001407591.1 and 22 more transcripts); c.3185A>G, p.Asp1062Gly (NM_001407646.1, NM_001407647.1); c.3071A>G, p.Asp1024Gly (NM_001407648.1, NM_001407664.1, NM_001407665.1 and 19 more transcripts); c.3068A>G, p.Asp1023Gly (NM_001407649.1, NM_001407670.1, NM_001407671.1 and 11 more transcripts); c.3116A>G, p.Asp1039Gly (NM_001407653.1, NM_001407654.1, NM_001407655.1 and 4 more transcripts); c.3113A>G, p.Asp1038Gly (NM_001407659.1, NM_001407660.1, NM_001407661.1 and 1 more transcripts); and 41 more; short protein forms D1017G, D1018G, D1023G, D1024G, D1038G, D1039G, D1062G, D1064G.
Identifiers: ClinVar variation 3373180 (VCV003373180.1).